The following is an entry in ClinVar:

NM_015158.5(KANK1):c.1739G>A (p.Arg580Gln)

Gene: KANK1 (KN motif and ankyrin repeat domains 1; plus strand). Cytogenetic location: 9p24.3.
Variant type: single nucleotide variant.
Coding change: c.1739G>A on transcript NM_015158.5 (MANE Select); coding-DNA position 1739, G replaced by A.
Protein change: p.Arg580Gln; replaces arginine 580 with glutamine.
Molecular consequence: missense variant. On other transcripts: non-coding transcript variant (1).
Genome position (GRCh38, 1-based): chr9:712,505, G>A. VCF-style: chr9-712505-G-A. GRCh37 (hg19) VCF-style: chr9-712505-G-A.
Other names: c.1739G>A, p.Arg580Gln (NM_001256876.3, NM_001256877.3, NM_001354331.2 and 2 more transcripts); c.1265G>A, p.Arg422Gln (NM_001354333.2, NM_001354335.2, NM_001354336.2 and 9 more transcripts); short protein forms R422Q, R580Q.
Identifiers: ClinVar variation 2715038 (VCV002715038.4), dbSNP rs758187930, ClinGen allele CA372748856.

ClinVar aggregate classification (germline): Conflicting classifications of pathogenicity. Review status: criteria provided, conflicting classifications (1 of 4 stars). 2 submissions from 2 submitters: Uncertain significance (1); Likely benign (1). Last evaluated 2023-07-25.

gnomAD v4.1: 19 of 1,614,208 alleles (0.0012%); highest among the groups gnomAD compares: East Asian, 0.0022%; no homozygotes.

Submissions (2):

Labcorp Genetics (formerly Invitae), Labcorp
Classification: Uncertain significance. Last evaluated: 2023-07-25. Review status: criteria provided, single submitter. Criteria: Invitae Variant Classification Sherloc (09022015). Collection method: clinical testing. Allele origin: germline.
Comment: This sequence change replaces arginine, which is basic and polar, with glutamine, which is neutral and polar, at codon 580 of the KANK1 protein (p.Arg580Gln). In summary, the available evidence is currently insufficient to determine the role of this variant in disease. Therefore, it has been classified as a Variant of Uncertain Significance. Advanced modeling of protein sequence and biophysical properties (such as structural, functional, and spatial information, amino acid conservation, physicochemical variation, residue mobility, and thermodynamic stability) performed at Invitae indicates that this missense variant is not expected to disrupt KANK1 protein function. This variant has not been reported in the literature in individuals affected with KANK1-related conditions. This variant is present in population databases (no rsID available, gnomAD 0.006%).

Blueprint Genetics
Classification: Likely benign. Last evaluated: 2021-05-17. Review status: criteria provided, single submitter. Criteria: ACMG Guidelines, 2015. Collection method: clinical testing. Allele origin: germline.